The following is an entry in ClinVar:

NM_053025.4(MYLK):c.3671A>C (p.Lys1224Thr)

Gene: MYLK (myosin light chain kinase; minus strand). Cytogenetic location: 3q21.1.
Variant type: single nucleotide variant.
Coding change: c.3671A>C on transcript NM_053025.4 (MANE Select); coding-DNA position 3671, A replaced by C.
Protein change: p.Lys1224Thr; replaces lysine 1224 with threonine.
Molecular consequence: missense variant.
Genome position (GRCh38, 1-based): chr3:123,667,169, T>G on the plus strand (A>C on the coding strand, the complement: MYLK is on the minus strand). VCF-style: chr3-123667169-T-G. GRCh37 (hg19) VCF-style: chr3-123386016-T-G.
Other names: c.3143A>C, p.Lys1048Thr (NM_001321309.2); c.3464A>C, p.Lys1155Thr (NM_053026.4, NM_053028.4); c.3671A>C, p.Lys1224Thr (NM_053027.4); short protein forms K1048T, K1155T, K1224T.
Identifiers: ClinVar variation 2955083 (VCV002955083.3), dbSNP rs2473691480, ClinGen allele CA354231852.

ClinVar aggregate classification (germline): Uncertain significance (1 of 4 stars; one submission).

Conditions:
Aortic aneurysm, familial thoracic 7 (AAT7). Also called: AORTIC DISSECTION, FAMILIAL, WITH OR WITHOUT AORTIC ANEURYSM. Identifiers: MedGen C3151077, MONDO:0013418, OMIM 613780.

Submission:

Labcorp Genetics (formerly Invitae), Labcorp
Classification: Uncertain significance for Aortic aneurysm, familial thoracic 7. Last evaluated: 2023-11-22. Review status: criteria provided, single submitter. Criteria: Invitae Variant Classification Sherloc (09022015). Collection method: clinical testing. Allele origin: germline.
Comment: This sequence change replaces lysine, which is basic and polar, with threonine, which is neutral and polar, at codon 1224 of the MYLK protein (p.Lys1224Thr). This variant is not present in population databases (gnomAD no frequency). This variant has not been reported in the literature in individuals affected with MYLK-related conditions. Advanced modeling of protein sequence and biophysical properties (such as structural, functional, and spatial information, amino acid conservation, physicochemical variation, residue mobility, and thermodynamic stability) performed at Invitae indicates that this missense variant is not expected to disrupt MYLK protein function with a negative predictive value of 80%. In summary, the available evidence is currently insufficient to determine the role of this variant in disease. Therefore, it has been classified as a Variant of Uncertain Significance.